The following is an entry in ClinVar:

NM_001370466.1(NOD2):c.769A>G (p.Thr257Ala)

Gene: NOD2 (nucleotide binding oligomerization domain containing 2; plus strand). Cytogenetic location: 16q12.1.
Variant type: single nucleotide variant.
Coding change: c.769A>G on transcript NM_001370466.1 (MANE Select); coding-DNA position 769, A replaced by G.
Protein change: p.Thr257Ala; replaces threonine 257 with alanine.
Molecular consequence: missense variant. On other transcripts: non-coding transcript variant (1).
Genome position (GRCh38, 1-based): chr16:50,710,761, A>G. VCF-style: chr16-50710761-A-G. GRCh37 (hg19) VCF-style: chr16-50744672-A-G.
Other names: c.769A>G, p.Thr257Ala (NM_001293557.2); c.850A>G, p.Thr284Ala (NM_022162.3); short protein forms T284A, T257A.
Identifiers: ClinVar variation 1374489 (VCV001374489.8), dbSNP rs369740939, ClinGen allele CA8051411.

ClinVar aggregate classification (germline): Uncertain significance. Review status: criteria provided, multiple submitters, no conflicts (2 of 4 stars). 2 submissions from 2 submitters: Uncertain significance (2). Last evaluated 2026-02-10.

Conditions:
Blau syndrome (BLAUS). Also called: ARTHROCUTANEOUVEAL GRANULOMATOSIS; GRANULOMATOSIS, FAMILIAL JUVENILE SYSTEMIC; GRANULOMATOSIS, FAMILIAL, BLAU TYPE; GRANULOMATOUS INFLAMMATORY ARTHRITIS, DERMATITIS, AND UVEITIS, FAMILIAL; JABS SYNDROME. Identifiers: Orphanet 90340, MedGen C5201146, MONDO:0008523, OMIM 186580.
Regional enteritis. Also called: Enteritis, Granulomatous. Identifiers: MedGen C0678202, MeSH D003424.

Allele frequency attached by ClinVar (database versions not stated): gnomAD 0.00005 and 0.00004; gnomAD exomes below 0.00001 and 0.00001; ExAC 0.00001; TOPMed 0.00003; ESP Exome Variant Server 0.00008.

Submissions (2):

Dasa
Classification: Uncertain significance. Last evaluated: 2026-02-10. Review status: criteria provided, single submitter. Criteria: DASA Assertion Criteria. Collection method: clinical testing. Allele origin: germline.
Comment: NM_001370466.1(NOD2):c.769A>G (p.Thr257Ala) is a missense variant that results in the substitution of threonine with alanine. This variant is rare in population databases. Computational prediction algorithms are consistent with a benign effect. The currently available literature and clinical evidence are not sufficient to establish a definitive association between this variant and the reported condition. Therefore, this variant is classified as a variant of uncertain significance.

Labcorp Genetics (formerly Invitae), Labcorp
Classification: Uncertain significance for Regional enteritis; Blau syndrome. Last evaluated: 2025-10-06. Review status: criteria provided, single submitter. Criteria: Invitae Variant Classification Sherloc (09022015). Collection method: clinical testing. Allele origin: germline.
Comment: This sequence change replaces threonine, which is neutral and polar, with alanine, which is neutral and non-polar, at codon 284 of the NOD2 protein (p.Thr284Ala). This variant is present in population databases (rs369740939, gnomAD 0.007%). This variant has not been reported in the literature in individuals affected with NOD2-related conditions. ClinVar contains an entry for this variant (Variation ID: 1374489). Invitae Evidence Modeling of protein sequence and biophysical properties (such as structural, functional, and spatial information, amino acid conservation, physicochemical variation, residue mobility, and thermodynamic stability) indicates that this missense variant is not expected to disrupt NOD2 protein function with a negative predictive value of 95%. In summary, the available evidence is currently insufficient to determine the role of this variant in disease. Therefore, it has been classified as a Variant of Uncertain Significance.